The following is an entry in ClinVar:

ClinVar aggregate classification (germline): Likely benign (0 of 4 stars; one submission).

Conditions:
CTNND2-related disorder. Also called: CTNND2-related condition.

Allele frequency attached by ClinVar (database versions not stated): ESP Exome Variant Server 0.00023; 1000 Genomes Project 0.00040; 1000 Genomes Project 30x 0.00047.

Submission:

PreventionGenetics, part of Exact Sciences
Classification: Likely benign for CTNND2-related condition. Last evaluated: 2022-01-31. Review status: no assertion criteria provided. Collection method: clinical testing. Allele origin: germline.
Comment: This variant is classified as likely benign based on ACMG/AMP sequence variant interpretation guidelines (Richards et al. 2015 PMID: 25741868, with internal and published modifications).

NM_001332.4(CTNND2):c.1444G>A (p.Ala482Thr)

Gene: CTNND2 (catenin delta 2; minus strand). Cytogenetic location: 5p15.2.
Variant type: single nucleotide variant.
Coding change: c.1444G>A on transcript NM_001332.4 (MANE Select); coding-DNA position 1444, G replaced by A.
Protein change: p.Ala482Thr; replaces alanine 482 with threonine.
Molecular consequence: missense variant. On other transcripts: non-coding transcript variant (1).
Genome position (GRCh38, 1-based): chr5:11,346,556, C>T on the plus strand (G>A on the coding strand, the complement: CTNND2 is on the minus strand). VCF-style: chr5-11346556-C-T. GRCh37 (hg19) VCF-style: chr5-11346668-C-T.
Other names: c.1171G>A, p.Ala391Thr (NM_001288715.1); c.433G>A, p.Ala145Thr (NM_001288716.1, NM_001364128.2); c.145G>A, p.Ala49Thr (NM_001288717.2); short protein forms A145T, A391T, A482T, A49T.
Identifiers: ClinVar variation 3045484 (VCV003045484.2), dbSNP rs61750706, ClinGen allele CA3200864.
Genomic context (GRCh38, chr5:11,346,556, plus strand): 5'-GGTCCGCGTAATTGGAGGCTGGGCCGGCGGCATAGCTGGCCCTCTGGAAGGTGGCCGCGG[C>T]GGCATTCTGTGGGCCGTGCTGGCTGCCTGTGCGCTGCAAGGGGACGGAGTCGACACCAGG-3'
Protein context (NP_001323.1, residues 472-492): TGSQHGPQNA[Ala482Thr]AATFQRASYA